The following is an entry in ClinVar:

NM_000138.5(FBN1):c.2065G>A (p.Glu689Lys)

Gene: FBN1 (fibrillin 1; minus strand). Cytogenetic location: 15q21.1.
Variant type: single nucleotide variant.
Coding change: c.2065G>A on transcript NM_000138.5 (MANE Select); coding-DNA position 2065, G replaced by A.
Protein change: p.Glu689Lys; replaces glutamic acid 689 with lysine.
Molecular consequence: missense variant.
Genome position (GRCh38, 1-based): chr15:48,503,835, C>T on the plus strand (G>A on the coding strand, the complement: FBN1 is on the minus strand). VCF-style: chr15-48503835-C-T. GRCh37 (hg19) VCF-style: chr15-48796032-C-T.
Other names: c.2065G>A, p.Glu689Lys (NM_001406716.1); short protein forms E689K.
Identifiers: ClinVar variation 4023418 (VCV004023418.1).

ClinVar aggregate classification (germline): Uncertain significance (1 of 4 stars; one submission).

Conditions:
Familial thoracic aortic aneurysm and aortic dissection (TAAD). Also called: Thoracic aortic aneurysms and dissections. Identifiers: Orphanet 91387, MedGen C4707243, MONDO:0019625.

Submission:

Ambry Genetics
Classification: Uncertain significance for Familial thoracic aortic aneurysm and aortic dissection. Last evaluated: 2025-03-20. Review status: criteria provided, single submitter. Criteria: Ambry Variant Classification Scheme 2023. Collection method: clinical testing. Allele origin: germline.
Comment: The p.E689K variant (also known as c.2065G>A), located in coding exon 16 of the FBN1 gene, results from a G to A substitution at nucleotide position 2065. The glutamic acid at codon 689 is replaced by lysine, an amino acid with similar properties. This amino acid position is not well conserved in available vertebrate species. In addition, the in silico prediction for this alteration is inconclusive. Based on the available evidence, the clinical significance of this variant remains unclear.